The following is an entry in ClinVar:

NM_020937.4(FANCM):c.5794A>G (p.Ile1932Val)

Gene: FANCM (FA complementation group M; plus strand). Cytogenetic location: 14q21.2.
Variant type: single nucleotide variant.
Coding change: c.5794A>G on transcript NM_020937.4 (MANE Select); coding-DNA position 5794, A replaced by G.
Protein change: p.Ile1932Val; replaces isoleucine 1932 with valine.
Molecular consequence: missense variant.
Genome position (GRCh38, 1-based): chr14:45,198,721, A>G. VCF-style: chr14-45198721-A-G. GRCh37 (hg19) VCF-style: chr14-45667924-A-G.
Other names: c.5716A>G, p.Ile1906Val (NM_001308133.2); short protein forms I1906V, I1932V.
Identifiers: ClinVar variation 4871193 (VCV004871193.1).

ClinVar aggregate classification (germline): Uncertain significance (1 of 4 stars; one submission).

Conditions:
Inborn genetic diseases. Identifiers: MedGen C0950123, MeSH D030342.

gnomAD v4.1: 1 of 1,613,890 alleles (0.000062%); highest among the groups gnomAD compares: Admixed American, 0.0017%; no homozygotes.

Submission:

Ambry Genetics
Classification: Uncertain significance for Inborn genetic diseases. Last evaluated: 2026-06-13. Review status: criteria provided, single submitter. Criteria: Ambry Variant Classification Scheme 2023. Collection method: clinical testing. Allele origin: germline.
Comment: The p.I1932V variant (also known as c.5794A>G), located in coding exon 22 of the FANCM gene, results from an A to G substitution at nucleotide position 5794. The isoleucine at codon 1932 is replaced by valine, an amino acid with highly similar properties. This amino acid position is conserved. In addition, this alteration is predicted to be tolerated by in silico analysis. Based on the available evidence, the clinical significance of this variant remains unclear.